The following is an entry in ClinVar:

NM_007294.4(BRCA1):c.4372C>G (p.Gln1458Glu)

Gene: BRCA1 (BRCA1 DNA repair associated; minus strand). Cytogenetic location: 17q21.31.
Variant type: single nucleotide variant.
Coding change: c.4372C>G on transcript NM_007294.4 (MANE Select); coding-DNA position 4372, C replaced by G.
Protein change: p.Gln1458Glu; replaces glutamine 1458 with glutamic acid.
Molecular consequence: missense variant. On other transcripts: non-coding transcript variant (1).
Genome position (GRCh38, 1-based): chr17:43,076,600, G>C on the plus strand (C>G on the coding strand, the complement: BRCA1 is on the minus strand). VCF-style: chr17-43076600-G-C. GRCh37 (hg19) VCF-style: chr17-41228617-G-C.
Other names: c.4159C>G, p.Gln1387Glu (NM_001407906.1, NM_001407907.1, NM_001407908.1 and 12 more transcripts); c.4156C>G, p.Gln1386Glu (NM_001407915.1, NM_001407916.1, NM_001407917.1 and 1 more transcripts); c.4105C>G, p.Gln1369Glu (NM_001407931.1, NM_001407932.1, NM_001407933.1 and 4 more transcripts); c.4102C>G, p.Gln1368Glu (NM_001407934.1, NM_001407935.1, NM_001407936.1); c.4108C>G, p.Gln1370Glu (NM_001407921.1, NM_001407922.1, NM_001407923.1 and 4 more transcripts); c.4249C>G, p.Gln1417Glu (NM_001407919.1, NM_001407664.1, NM_001407665.1 and 6 more transcripts); c.4438C>G, p.Gln1480Glu (NM_001407581.1, NM_001407582.1); c.4435C>G, p.Gln1479Glu (NM_001407583.1, NM_001407585.1, NM_001407587.1 and 1 more transcripts); and 68 more; short protein forms Q1458E, Q1411E, Q1479E, Q354E, Q1369E, Q1389E, Q1391E, Q1410E.
Identifiers: ClinVar variation 950696 (VCV000950696.11), dbSNP rs80356932, ClinGen allele CA10592798.

ClinVar aggregate classification (germline): Uncertain significance (1 of 4 stars; one submission).

Conditions:
Hereditary breast ovarian cancer syndrome. Also called: Hereditary breast and ovarian cancer; Hereditary breast and/or ovarian cancer syndrome; Hereditary breast and ovarian cancer syndrome; Hereditary breast and ovarian cancer syndrome (HBOC); BRCA1- and BRCA2-Associated Hereditary Breast and Ovarian Cancer; Breast and ovarian cancer. Identifiers: Orphanet 145, MedGen C0677776, MeSH D061325, MONDO:0003582. Disease mechanism: loss of function.

gnomAD v4.1: 1 of 1,613,442 alleles (0.000062%); no homozygotes.

Submission:

Labcorp Genetics (formerly Invitae), Labcorp
Classification: Uncertain significance for Hereditary breast ovarian cancer syndrome. Last evaluated: 2019-04-22. Review status: criteria provided, single submitter. Criteria: Invitae Variant Classification Sherloc (09022015). Collection method: clinical testing. Allele origin: germline.
Comment: This sequence change replaces glutamine with glutamic acid at codon 1458 of the BRCA1 protein (p.Gln1458Glu). The glutamine residue is weakly conserved and there is a small physicochemical difference between glutamine and glutamic acid. This variant is not present in population databases (ExAC no frequency). This variant has not been reported in the literature in individuals with BRCA1-related conditions. Algorithms developed to predict the effect of missense changes on protein structure and function output the following: SIFT: "Tolerated"; PolyPhen-2: "Benign"; Align-GVGD: "Class C0". The glutamic acid amino acid residue is found in multiple mammalian species, suggesting that this missense change does not adversely affect protein function. These predictions have not been confirmed by published functional studies and their clinical significance is uncertain. In summary, the available evidence is currently insufficient to determine the role of this variant in disease. Therefore, it has been classified as a Variant of Uncertain Significance.